The following is an entry in ClinVar:

ClinVar aggregate classification (germline): Benign/Likely benign. Review status: criteria provided, multiple submitters, no conflicts (2 of 4 stars). 4 submissions from 4 submitters: Benign (1); Likely benign (3). Last evaluated 2026-01-22.

Conditions:
Nephronophthisis 9 (NPHP9). Identifiers: Orphanet 655, MedGen C3151188, MONDO:0013444, OMIM 613824.

Allele frequency attached by ClinVar (database versions not stated): gnomAD 0.00027 and 0.00039; TOPMed 0.00054; 1000 Genomes Project 30x 0.00156; 1000 Genomes Project 0.00180.
gnomAD v4.1: 462 of 1,614,130 alleles (0.029%); highest among the groups gnomAD compares: East Asian, 0.78%; 3 homozygotes.

Submissions (4):

Labcorp Genetics (formerly Invitae), Labcorp
Classification: Benign for Nephronophthisis 9. Last evaluated: 2026-01-22. Review status: criteria provided, single submitter. Criteria: Invitae Variant Classification Sherloc (09022015). Collection method: clinical testing. Allele origin: germline.

Blueprint Genetics
Classification: Likely benign. Last evaluated: 2024-11-21. Review status: criteria provided, single submitter. Criteria: ACMG Guidelines, 2015. Collection method: clinical testing. Allele origin: germline.

Illumina Laboratory Services, Illumina
Classification: Likely benign for Nephronophthisis 9. Last evaluated: 2018-01-12. Review status: criteria provided, single submitter. Criteria: ICSL Variant Classification Criteria 13 December 2019. Collection method: clinical testing. Allele origin: germline.
Comment: This variant was observed in the ICSL laboratory as part of a predisposition screen in an ostensibly healthy population. It had not been previously curated by ICSL or reported in the Human Gene Mutation Database (HGMD: prior to June 1st, 2018), and was therefore a candidate for classification through an automated scoring system. Utilizing variant allele frequency, disease prevalence and penetrance estimates, and inheritance mode, an automated score was calculated to assess if this variant is too frequent to cause the disease. Based on the score and internal cut-off values, a variant classified as likely benign is not then subjected to further curation. The score for this variant resulted in a classification of likely benign for this disease.

PreventionGenetics, part of Exact Sciences
Classification: Likely benign. Review status: criteria provided, single submitter. Criteria: ACMG Guidelines, 2015. Collection method: clinical testing. Allele origin: germline.

NM_178170.3(NEK8):c.1770C>T (p.His590=)

Gene: NEK8 (NIMA related kinase 8; plus strand). Cytogenetic location: 17q11.2.
Variant type: single nucleotide variant.
Coding change: c.1770C>T on transcript NM_178170.3 (MANE Select); coding-DNA position 1770, C replaced by T.
Protein change: p.His590=; no amino-acid change (histidine 590 retained).
Molecular consequence: synonymous variant.
Genome position (GRCh38, 1-based): chr17:28,741,115, C>T. VCF-style: chr17-28741115-C-T. GRCh37 (hg19) VCF-style: chr17-27068133-C-T.
Identifiers: ClinVar variation 262929 (VCV000262929.15), dbSNP rs183536507, ClinGen allele CA8467534.